The following is an entry in ClinVar:

NM_015335.5(MED13L):c.3628C>T (p.Pro1210Ser)

Gene: MED13L (mediator complex subunit 13L; minus strand). Cytogenetic location: 12q24.21.
Variant type: single nucleotide variant.
Coding change: c.3628C>T on transcript NM_015335.5 (MANE Select); coding-DNA position 3628, C replaced by T.
Protein change: p.Pro1210Ser; replaces proline 1210 with serine.
Molecular consequence: missense variant.
Genome position (GRCh38, 1-based): chr12:115,991,326, G>A on the plus strand (C>T on the coding strand, the complement: MED13L is on the minus strand). VCF-style: chr12-115991326-G-A. GRCh37 (hg19) VCF-style: chr12-116429131-G-A.
Other names: short protein forms P1210S.
Identifiers: ClinVar variation 4740566 (VCV004740566.1).
Genomic context (GRCh38, chr12:115,991,326, plus strand): 5'-GGAGGAGGAGGAGAAGGCTTATGGGTGGCTCCTGGGGTTTTTTGGTTCCTTCCACCTGAG[G>A]AAGGAAGGTGGACTGACACATCATTAAGCGCCTCTCTGCAGCCTGACCAATATCAGAATT-3'
Protein context (NP_056150.1, residues 1200-1220): RLMMCQSTFL[Pro1210Ser]QVEGTKKPQE

ClinVar aggregate classification (germline): Uncertain significance (1 of 4 stars; one submission).

Conditions:
Dextro-looped transposition of the great arteries. Also called: Dextrotransposition of the great arteries. Identifiers: Orphanet 860, MedGen C3531771, MONDO:0019443, OMIM 608808, HP:0031348.

gnomAD v4.1: 1 of 1,614,008 alleles (0.000062%); highest among the groups gnomAD compares: South Asian, 0.0011%; no homozygotes.

Submission:

Labcorp Genetics (formerly Invitae), Labcorp
Classification: Uncertain significance for Dextro-looped transposition of the great arteries. Last evaluated: 2025-06-08. Review status: criteria provided, single submitter. Criteria: Invitae Variant Classification Sherloc (09022015). Collection method: clinical testing. Allele origin: germline.
Comment: This sequence change replaces proline, which is neutral and non-polar, with serine, which is neutral and polar, at codon 1210 of the MED13L protein (p.Pro1210Ser). This variant is not present in population databases (gnomAD no frequency). This variant has not been reported in the literature in individuals affected with MED13L-related conditions. Invitae Evidence Modeling of protein sequence and biophysical properties (such as structural, functional, and spatial information, amino acid conservation, physicochemical variation, residue mobility, and thermodynamic stability) indicates that this missense variant is not expected to disrupt MED13L protein function with a negative predictive value of 80%. In summary, the available evidence is currently insufficient to determine the role of this variant in disease. Therefore, it has been classified as a Variant of Uncertain Significance.